The following is an entry in ClinVar:

NM_003070.5(SMARCA2):c.1537G>A (p.Gly513Ser)

Gene: SMARCA2 (SWI/SNF related BAF chromatin remodeling complex subunit ATPase 2; plus strand). Cytogenetic location: 9p24.3.
Variant type: single nucleotide variant.
Coding change: c.1537G>A on transcript NM_003070.5 (MANE Select); coding-DNA position 1537, G replaced by A.
Protein change: p.Gly513Ser; replaces glycine 513 with serine.
Molecular consequence: missense variant.
Genome position (GRCh38, 1-based): chr9:2,060,831, G>A. VCF-style: chr9-2060831-G-A. GRCh37 (hg19) VCF-style: chr9-2060831-G-A.
Other names: p.Gly513Ser; c.1537G>A, p.Gly513Ser (NM_001289396.2, NM_001289397.2, NM_139045.4); short protein forms G513S.
Identifiers: ClinVar variation 3902837 (VCV003902837.2).

ClinVar aggregate classification (germline): Conflicting classifications of pathogenicity. Review status: criteria provided, conflicting classifications (1 of 4 stars). 2 submissions from 2 submitters: Likely pathogenic (1); Uncertain significance (1). Last evaluated 2025-06-26.

Conditions:
Blepharophimosis-impaired intellectual development syndrome. Identifiers: Orphanet 637013, MedGen C5443984, MONDO:0859139, OMIM 619293.
Nicolaides-Baraitser syndrome (NCBRS). Also called: Intellectual disability-sparse hair-brachydactyly syndrome; SMARCA2-Related Nicolaides-Baraitser Syndrome. Identifiers: Orphanet 3051, MedGen C1303073, MONDO:0011053, OMIM 601358.

Submissions (2):

3billion
Classification: Uncertain significance for Nicolaides-Baraitser syndrome. Last evaluated: 2025-06-26. Review status: criteria provided, single submitter. Criteria: ACMG Guidelines, 2015. Collection method: clinical testing. Allele origin: germline. Affected: yes.
Comment: The variant is not observed in the gnomAD v4.1.0 dataset. Predicted Consequence/Location: Missense variant. Missense changes are a common disease-causing mechanism. Different missense changes at the same codon (p.Gly513Asp, p.Gly513Val) have been reported to be associated with SMARCA2-related disorder (ClinVar ID: VCV000829812, VCV000979174 /PMID: 32694869). Therefore, this variant is classified as VUS according to the recommendation of ACMG/AMP guideline.

Department of Molecular Genetics, Istishari Arab Hospital
Classification: Likely pathogenic for Blepharophimosis-impaired intellectual development syndrome. Last evaluated: 2025-06-12. Review status: criteria provided, single submitter. Criteria: ACMG Guidelines, 2015. Collection method: clinical testing. Allele origin: de novo. Inheritance: Autosomal dominant inheritance. Affected: yes.
Comment: The SMARCA2 variant c.1537G>A, p.Gly513Ser creates a change in the amino acid from Gly to Ser at position 513. To the best of our knowledge this variant was not previously reported in literature. Two other different amino acid changes at the same position (p.Gly513Asp and p.Gly513Val) were listed in ClinVar as disease causing for SMARCA2-related disorders (Variation ID: 979174 & 829812). It is classified as likely patohgenic based on the implementation of the ACMG/AMP/ClinGen SVI guidelines.

Literature cited by the submitters: PubMed 32694869 (cited by 3billion).